The following is an entry in ClinVar:

NM_021224.6(ZNF462):c.2900A>T (p.Gln967Leu)

Gene: ZNF462 (zinc finger protein 462; plus strand). Cytogenetic location: 9q31.2.
Variant type: single nucleotide variant.
Coding change: c.2900A>T on transcript NM_021224.6 (MANE Select); coding-DNA position 2900, A replaced by T.
Protein change: p.Gln967Leu; replaces glutamine 967 with leucine.
Molecular consequence: missense variant.
Genome position (GRCh38, 1-based): chr9:106,926,812, A>T. VCF-style: chr9-106926812-A-T. GRCh37 (hg19) VCF-style: chr9-109689093-A-T.
Other names: c.2900A>T, p.Gln967Leu (NM_001347997.2); short protein forms Q967L.
Identifiers: ClinVar variation 3361848 (VCV003361848.1).

ClinVar aggregate classification (germline): Uncertain significance (1 of 4 stars; one submission).

Submission:

GeneDx
Classification: Uncertain significance. Last evaluated: 2023-08-04. Review status: criteria provided, single submitter. Criteria: GeneDx Variant Classification Process June 2021. Collection method: clinical testing. Allele origin: germline. Affected: yes.
Comment: Not observed at significant frequency in large population cohorts (gnomAD); In silico analysis supports that this missense variant has a deleterious effect on protein structure/function; Has not been previously published as pathogenic or benign to our knowledge